The following is an entry in ClinVar:

ClinVar aggregate classification (germline): Uncertain significance. Review status: criteria provided, multiple submitters, no conflicts (2 of 4 stars). 8 submissions from 8 submitters: Uncertain significance (8). Last evaluated 2026-10-24.

Conditions:
Central core myopathy (CMYO1A). Also called: Central core disease; Myopathy, central fibrillar; CONGENITAL MYOPATHY 1A, AUTOSOMAL DOMINANT, WITH SUSCEPTIBILITY TO MALIGNANT HYPERTHERMIA. Identifiers: Orphanet 597, MedGen C5830701, MONDO:0007294, OMIM 117000.
Congenital myopathy with fiber type disproportion. Also called: Congenital fiber-type disproportion myopathy; Congenital fiber-type disproportion. Identifiers: Orphanet 2020, MedGen C0546264, MONDO:0009711. Inheritance: all.
Malignant hyperthermia, susceptibility to, 1 (MHS1). Also called: RYR1-Related Malignant Hyperthermia Susceptibility; Anesthesia related hyperthermia; Malignant hyperpyrexia; Fulminating hyperpyrexia; Pharmacogenic myopathy; Malignant hyperthermia suceptibility 1. Identifiers: Orphanet 423, MedGen C2930980, MONDO:0007783, OMIM 145600.
Congenital multicore myopathy with external ophthalmoplegia (CMYO1B). Also called: Congenital myopathy 1B, autosomal recessive; Minicore myopathy; MULTICORE MYOPATHY; Minicore myopathy with external ophthalmoplegia; MULTIMINICORE DISEASE WITH EXTERNAL OPHTHALMOPLEGIA. Identifiers: Orphanet 598, Orphanet 98905, MedGen C1850674, MONDO:0009712, OMIM 255320, HP:0003789.
King Denborough syndrome (KDS). Identifiers: MedGen C1840365, MONDO:0020485, OMIM 619542.
Inborn genetic diseases. Identifiers: MedGen C0950123, MeSH D030342.
RYR1-related disorder. Also called: RYR1-related condition; RYR1-related disorders. Identifiers: MedGen CN239331.

Allele frequency attached by ClinVar (database versions not stated): TOPMed 0.00016; gnomAD exomes 0.00001 and 0.00005; ExAC 0.00007; ESP Exome Variant Server 0.00023.
gnomAD v4.1: 43 of 1,614,038 alleles (0.0027%); highest among the groups gnomAD compares: African/African-American, 0.047%; no homozygotes.

Submissions (8):

GeneDx
Classification: Uncertain significance. Last evaluated: 2026-10-24. Review status: criteria provided, single submitter. Criteria: GeneDx Variant Classification Process June 2021. Collection method: clinical testing. Allele origin: germline.
Comment: In silico analysis supports that this missense variant has a deleterious effect on protein structure/function; Has not been previously published as pathogenic or benign to our knowledge; This variant is associated with the following publications: (PMID: 16084090, 12668474, 33767344)

Mayo Clinic Laboratories, Mayo Clinic
Classification: Uncertain significance. Last evaluated: 2025-03-17. Review status: criteria provided, single submitter. Criteria: ACMG Guidelines, 2015. Collection method: clinical testing. Allele origin: germline. Observed: 1 variant allele.

Blueprint Genetics
Classification: Uncertain significance. Last evaluated: 2024-10-15. Review status: criteria provided, single submitter. Criteria: ACMG Guidelines, 2015. Collection method: clinical testing. Allele origin: germline.

Labcorp Genetics (formerly Invitae), Labcorp
Classification: Uncertain significance for RYR1-related disorder. Last evaluated: 2024-04-16. Review status: criteria provided, single submitter. Criteria: Invitae Variant Classification Sherloc (09022015). Collection method: clinical testing. Allele origin: germline.
Comment: This sequence change replaces glycine, which is neutral and non-polar, with serine, which is neutral and polar, at codon 2304 of the RYR1 protein (p.Gly2304Ser). This variant is present in population databases (rs377080876, gnomAD 0.05%). This missense change has been observed in individual(s) with clinical features of RYR1-related conditions (Invitae). ClinVar contains an entry for this variant (Variation ID: 329056). Advanced modeling of protein sequence and biophysical properties (such as structural, functional, and spatial information, amino acid conservation, physicochemical variation, residue mobility, and thermodynamic stability) performed at Invitae indicates that this missense variant is not expected to disrupt RYR1 protein function with a negative predictive value of 95%. In summary, the available evidence is currently insufficient to determine the role of this variant in disease. Therefore, it has been classified as a Variant of Uncertain Significance.

Ambry Genetics
Classification: Uncertain significance for Inborn genetic diseases. Last evaluated: 2024-01-04. Review status: criteria provided, single submitter. Criteria: Ambry Variant Classification Scheme 2023. Collection method: clinical testing. Allele origin: germline.

Color Diagnostics, LLC DBA Color Health
Classification: Uncertain significance for Malignant hyperthermia, susceptibility to, 1. Last evaluated: 2023-11-22. Review status: criteria provided, single submitter. Criteria: ACMG Guidelines, 2015. Collection method: clinical testing. Allele origin: germline.
Comment: This missense variant replaces glycine with serine at codon 2304 of the RYR1 protein. Computational prediction suggests that this variant may not impact protein structure and function. To our knowledge, functional studies have not been reported for this variant. This variant has not been reported in individuals affected with RYR1-related disorders in the literature. This variant has been identified in 15/282586 chromosomes in the general population by the Genome Aggregation Database (gnomAD). The available evidence is insufficient to determine the role of this variant in disease conclusively. Therefore, this variant is classified as a Variant of Uncertain Significance.

Fulgent Genetics
Classification: Uncertain significance for Central core myopathy; Malignant hyperthermia, susceptibility to, 1; Congenital myopathy 4A, autosomal dominant; Congenital multicore myopathy with external ophthalmoplegia; King Denborough syndrome. Last evaluated: 2021-09-13. Review status: criteria provided, single submitter. Criteria: ACMG Guidelines, 2015. Collection method: clinical testing. Allele origin: unknown.

Revvity Omics, Revvity
Classification: Uncertain significance. Last evaluated: 2019-10-15. Review status: criteria provided, single submitter. Criteria: ACMG Guidelines, 2015. Collection method: clinical testing. Allele origin: germline.

NM_000540.3(RYR1):c.6910G>A (p.Gly2304Ser)

Gene: RYR1 (ryanodine receptor 1; plus strand). Cytogenetic location: 19q13.2.
Variant type: single nucleotide variant.
Coding change: c.6910G>A on transcript NM_000540.3 (MANE Select); coding-DNA position 6910, G replaced by A.
Protein change: p.Gly2304Ser; replaces glycine 2304 with serine.
Molecular consequence: missense variant.
Genome position (GRCh38, 1-based): chr19:38,499,126, G>A. VCF-style: chr19-38499126-G-A. GRCh37 (hg19) VCF-style: chr19-38989766-G-A.
Other names: p.Gly2304Ser; c.6910G>A, p.Gly2304Ser (NM_001042723.2); short protein forms G2304S.
Identifiers: ClinVar variation 329056 (VCV000329056.28), dbSNP rs377080876, ClinGen allele CA068924.